The following is an entry in ClinVar:

NM_014727.3(KMT2B):c.103G>A (p.Gly35Arg)

Genes: KMT2B (lysine methyltransferase 2B; plus strand), LOC130064257 (ATAC-STARR-seq lymphoblastoid silent region 10534; plus strand). Cytogenetic location: 19q13.12.
Variant type: single nucleotide variant.
Coding change: c.103G>A on transcript NM_014727.3 (MANE Select); coding-DNA position 103, G replaced by A.
Protein change: p.Gly35Arg; replaces glycine 35 with arginine.
Molecular consequence: missense variant.
Genome position (GRCh38, 1-based): chr19:35,718,121, G>A. VCF-style: chr19-35718121-G-A. GRCh37 (hg19) VCF-style: chr19-36209023-G-A.
Other names: short protein forms G35R.
Identifiers: ClinVar variation 3903172 (VCV003903172.1).

ClinVar aggregate classification (germline): Uncertain significance (1 of 4 stars; one submission).

Submission:

GeneDx
Classification: Uncertain significance. Last evaluated: 2024-12-11. Review status: criteria provided, single submitter. Criteria: GeneDx Variant Classification Process June 2021. Collection method: clinical testing. Allele origin: germline. Affected: yes.
Comment: Not observed at significant frequency in large population cohorts (gnomAD); In silico analysis indicates that this missense variant does not alter protein structure/function; Has not been previously published as pathogenic or benign to our knowledge